The following is an entry in ClinVar:

ClinVar aggregate classification (germline): Uncertain significance. Review status: criteria provided, multiple submitters, no conflicts (2 of 4 stars). 7 submissions from 7 submitters: Uncertain significance (7). Last evaluated 2026-04-06.

Conditions:
Epidermolysis bullosa simplex 5B, with muscular dystrophy (EBS5B). Also called: Epidermolysis bullosa simplex with muscular dystrophy; EPIDERMOLYSIS BULLOSA SIMPLEX AND LIMB-GIRDLE MUSCULAR DYSTROPHY. Identifiers: Orphanet 257, MedGen C2931072, MONDO:0009181, OMIM 226670.
Autosomal recessive limb-girdle muscular dystrophy type 2Q (LGMDR17). Also called: MUSCULAR DYSTROPHY, LIMB-GIRDLE, AUTOSOMAL RECESSIVE 17. Identifiers: Orphanet 254361, MedGen C3150989, MONDO:0013390, OMIM 613723.
Epidermolysis bullosa simplex 5C, with pyloric atresia (EBS5C). Also called: PLEC-Related Epidermolysis Bullosa with Pyloric Atresia; PLEC1-Related Epidermolysis Bullosa with Pyloric Atresia; Epidermolysis bullosa simplex with pyloric atresia. Identifiers: Orphanet 158684, MedGen C2677349, MONDO:0012807, OMIM 612138.
Epidermolysis bullosa simplex, Ogna type (EBS5A). Also called: Pidermolysis bullosa simplex 5A, Ogna type; EPIDERMOLYSIS BULLOSA SIMPLEX 5A, OGNA TYPE. Identifiers: Orphanet 79401, MedGen C0432317, MONDO:0007555, OMIM 131950.
Epidermolysis bullosa simplex with nail dystrophy (EBS5D). Identifiers: MedGen C4225309, MONDO:0014661, OMIM 616487.
Inborn genetic diseases. Identifiers: MedGen C0950123, MeSH D030342.
PLEC-related disorder. Also called: PLEC-related condition; PLEC-related disorders.

Allele frequency attached by ClinVar (database versions not stated): gnomAD 0.00006; TOPMed 0.00011; ESP Exome Variant Server 0.00015.
gnomAD v4.1: 120 of 1,613,238 alleles (0.0074%); highest among the groups gnomAD compares: Admixed American, 0.01%; no homozygotes.

Submissions (7):

PreventionGenetics, part of Exact Sciences
Classification: Uncertain significance for PLEC-related condition. Last evaluated: 2026-04-06. Review status: criteria provided, single submitter. Criteria: ACMG Guidelines, 2015. Collection method: clinical testing. Allele origin: germline.
Comment: The PLEC c.9916G>C variant is predicted to result in the amino acid substitution p.Val3306Leu. To our knowledge, this variant has not been reported in the literature. This variant is reported in 0.016% of alleles in individuals of European (Non-Finnish) descent in gnomAD. At this time, the clinical significance of this variant is uncertain due to the absence of conclusive functional and genetic evidence.

Labcorp Genetics (formerly Invitae), Labcorp
Classification: Uncertain significance for Autosomal recessive limb-girdle muscular dystrophy type 2Q; Epidermolysis bullosa simplex, Ogna type; Epidermolysis bullosa simplex with nail dystrophy; Epidermolysis bullosa simplex 5C, with pyloric atresia; Epidermolysis bullosa simplex 5B, with muscular dystrophy. Last evaluated: 2025-08-04. Review status: criteria provided, single submitter. Criteria: Invitae Variant Classification Sherloc (09022015). Collection method: clinical testing. Allele origin: germline.
Comment: This sequence change replaces valine, which is neutral and non-polar, with leucine, which is neutral and non-polar, at codon 3306 of the PLEC protein (p.Val3306Leu). This variant is present in population databases (rs200407723, gnomAD 0.02%). This variant has not been reported in the literature in individuals affected with PLEC-related conditions. ClinVar contains an entry for this variant (Variation ID: 639501). An algorithm developed to predict the effect of missense changes on protein structure and function (PolyPhen-2) suggests that this variant is likely to be tolerated. In summary, the available evidence is currently insufficient to determine the role of this variant in disease. Therefore, it has been classified as a Variant of Uncertain Significance.

Ambry Genetics
Classification: Uncertain significance for Inborn genetic diseases. Last evaluated: 2022-05-25. Review status: criteria provided, single submitter. Criteria: Ambry Variant Classification Scheme 2023. Collection method: clinical testing. Allele origin: germline.

Athena Diagnostics
Classification: Uncertain significance. Last evaluated: 2022-04-14. Review status: criteria provided, single submitter. Criteria: Athena Diagnostics Criteria. Collection method: clinical testing. Allele origin: unknown.

Revvity Omics, Revvity
Classification: Uncertain significance. Last evaluated: 2022-03-08. Review status: criteria provided, single submitter. Criteria: ACMG Guidelines, 2015. Collection method: clinical testing. Allele origin: germline.

GeneDx
Classification: Uncertain significance. Last evaluated: 2019-11-25. Review status: criteria provided, single submitter. Criteria: GeneDx Variant Classification Process June 2021. Collection method: clinical testing. Allele origin: germline. Affected: yes.
Comment: In silico analysis, which includes protein predictors and evolutionary conservation, supports that this variant does not alter protein structure/function; Has not been previously published as pathogenic or benign to our knowledge

Mayo Clinic Laboratories, Mayo Clinic
Classification: Uncertain significance. Last evaluated: 2019-07-28. Review status: criteria provided, single submitter. Criteria: ACMG Guidelines, 2015. Collection method: clinical testing. Allele origin: germline.

NM_201384.3(PLEC):c.9835G>C (p.Val3279Leu)

Gene: PLEC (plectin; minus strand). Cytogenetic location: 8q24.3.
Variant type: single nucleotide variant.
Coding change: c.9835G>C on transcript NM_201384.3 (MANE Select); coding-DNA position 9835, G replaced by C.
Protein change: p.Val3279Leu; replaces valine 3279 with leucine.
Molecular consequence: missense variant.
Genome position (GRCh38, 1-based): chr8:143,919,986, C>G on the plus strand (G>C on the coding strand, the complement: PLEC is on the minus strand). VCF-style: chr8-143919986-C-G. GRCh37 (hg19) VCF-style: chr8-144994154-C-G.
Other names: c.9916G>C, p.Val3306Leu (NM_000445.5); c.9793G>C, p.Val3265Leu (NM_201378.4); c.9769G>C, p.Val3257Leu (NM_201379.3); c.10246G>C, p.Val3416Leu (NM_201380.4); c.9739G>C, p.Val3247Leu (NM_201381.3); c.9835G>C, p.Val3279Leu (NM_201382.4); c.9847G>C, p.Val3283Leu (NM_201383.3); short protein forms V3257L, V3279L, V3283L, V3416L, V3247L, V3306L, V3265L.
Identifiers: ClinVar variation 639501 (VCV000639501.22), dbSNP rs200407723, ClinGen allele CA4924835.